The following is an entry in ClinVar:

ClinVar aggregate classification (germline): Uncertain significance (1 of 4 stars; one submission).

Conditions:
Familial temporal lobe epilepsy 7. Identifiers: Orphanet 101046, MedGen C4225327, MONDO:0014639, OMIM 616436.
Norman-Roberts syndrome (LIS2). Also called: Lissencephaly 2 (Norman-Roberts type). Identifiers: Orphanet 89844, MedGen C0796089, MONDO:0009760, OMIM 257320.

Submission:

Labcorp Genetics (formerly Invitae), Labcorp
Classification: Uncertain significance for Familial temporal lobe epilepsy 7; Norman-Roberts syndrome. Last evaluated: 2022-08-12. Review status: criteria provided, single submitter. Criteria: Invitae Variant Classification Sherloc (09022015). Collection method: clinical testing. Allele origin: germline.
Comment: This variant has not been reported in the literature in individuals affected with RELN-related conditions. This variant is not present in population databases (gnomAD no frequency). This sequence change falls in intron 16 of the RELN gene. It does not directly change the encoded amino acid sequence of the RELN protein. It affects a nucleotide within the consensus splice site. Variants that disrupt the consensus splice site are a relatively common cause of aberrant splicing (PMID: 17576681, 9536098). Algorithms developed to predict the effect of sequence changes on RNA splicing suggest that this variant is not likely to affect RNA splicing. In summary, the available evidence is currently insufficient to determine the role of this variant in disease. Therefore, it has been classified as a Variant of Uncertain Significance.

Literature cited by the submitters: PubMed 17576681; PubMed 9536098.

NM_005045.4(RELN):c.2002+4A>G

Gene: RELN (reelin; minus strand). Cytogenetic location: 7q22.1.
Variant type: single nucleotide variant.
Coding change: c.2002+4A>G on transcript NM_005045.4 (MANE Select); 4 bases into the intron after coding-DNA position 2002, A replaced by G.
Molecular consequence: intron variant.
Genome position (GRCh38, 1-based): chr7:103,650,270, T>C on the plus strand (A>G on the coding strand, the complement: RELN is on the minus strand). VCF-style: chr7-103650270-T-C. GRCh37 (hg19) VCF-style: chr7-103290717-T-C.
Other names: c.2002+4A>G (NM_173054.3).
Identifiers: ClinVar variation 2023727 (VCV002023727.4), dbSNP rs2484833533, ClinGen allele CA2580076074.
Genomic context (GRCh38, chr7:103,650,270, plus strand): 5'-CGAACAAAAGCACAGGAAGACTCTACATCAATGGCATGTGATTATGACAGGCATAAACAC[T>C]AACCATTATCAATTGCCCACATGTTTCCAAGGATTGGTCCTGTTTGTCTCCAGCGAATCC-3'